The following is an entry in ClinVar:

ClinVar aggregate classification (germline): Uncertain significance (1 of 4 stars; one submission).

Conditions:
Hereditary cancer-predisposing syndrome. Also called: Hereditary Cancer Syndrome; Hereditary neoplastic syndrome; Neoplastic Syndromes, Hereditary; Tumor predisposition. Identifiers: Orphanet 140162, MedGen C0027672, MeSH D009386, MONDO:0015356.

Submission:

Ambry Genetics
Classification: Uncertain significance for Hereditary cancer-predisposing syndrome. Last evaluated: 2025-08-19. Review status: criteria provided, single submitter. Criteria: Ambry Variant Classification Scheme 2023. Collection method: clinical testing. Allele origin: germline.
Comment: The c.3939-145_4070dup277 variant results from a duplication of 277 nucleotides at positions c.3939-145 to c.4070 and involves the canonical acceptor site before coding exon 27 in the ALK gene. The canonical acceptor site is well conserved in available vertebrate species. In silico splice site analysis predicts that this alteration will result in the creation or strengthening of a novel splice acceptor site. Alterations that disrupt the canonical splice site are expected to cause aberrant splicing, resulting in an abnormal protein or a transcript that is subject to nonsense-mediated mRNA decay. However, loss of function of ALK has not been established as a mechanism of disease. Based on the available evidence, the clinical significance of this variant remains unclear.

NM_004304.5(ALK):c.3939-144_4071dup

Gene: ALK (ALK receptor tyrosine kinase; minus strand). Cytogenetic location: 2p23.2.
Variant type: Duplication.
Coding change: c.3939-144_4071dup on transcript NM_004304.5 (MANE Select); 144 bases into the intron before coding-DNA position 3939 through coding-DNA position 4071, 277 bases duplicated.
Molecular consequence: splice acceptor variant.
Genome position (GRCh38, 1-based): chr2:29,197,544-29,197,820, 277 bases duplicated. GRCh37 (hg19): chr2:29,420,411-29,420,687.
Other names: c.735-144_867dup (NM_001353765.2).
Identifiers: ClinVar variation 4272806 (VCV004272806.1).